The following is an entry in ClinVar:

ClinVar aggregate classification (germline): Pathogenic (1 of 4 stars; one submission).

Submission:

Labcorp Genetics (formerly Invitae), Labcorp
Classification: Pathogenic. Last evaluated: 2019-06-14. Review status: criteria provided, single submitter. Criteria: Invitae Variant Classification Sherloc (09022015). Collection method: clinical testing. Allele origin: germline.
Comment: This variant is a gross deletion of the genomic region encompassing exons 1-3 of the PHEX gene, which includes the initiator codon. The 5' end of this event is unknown as it extends beyond the assayed region for this gene and therefore may encompass additional genes. The 3' boundary is likely confined to intron 3 of the PHEX gene. This is expected to result in an absent or disrupted protein product. A similar deletion of exons 1-3 has been reported in individuals affected with hypophosphatemic rickets and to segregate with disease in families (PMID: 11502829, 19581284). Loss-of-function variants in PHEX are known to be pathogenic (PMID: 9097956, 9106524, 19219621). For these reasons, this variant has been classified as Pathogenic.

Literature cited by the submitters: PubMed 11502829; PubMed 19581284.

NC_000023.11:g.(?_22033006)_(22047211_?)del

Gene: PHEX (phosphate regulating endopeptidase X-linked; plus strand). Cytogenetic location: Xp22.11.
Variant type: Deletion.
Identifiers: ClinVar variation 831387 (VCV000831387.1).